The following is an entry in ClinVar:

NM_001184880.2(PCDH19):c.1252C>T (p.Gln418Ter)

Gene: PCDH19 (protocadherin 19; minus strand). Cytogenetic location: Xq22.1.
Variant type: single nucleotide variant.
Coding change: c.1252C>T on transcript NM_001184880.2 (MANE Select); coding-DNA position 1252, C replaced by T.
Protein change: p.Gln418Ter; replaces glutamine 418 with a stop codon.
Molecular consequence: nonsense.
Genome position (GRCh38, 1-based): chrX:100,407,346, G>A on the plus strand (C>T on the coding strand, the complement: PCDH19 is on the minus strand). VCF-style: chrX-100407346-G-A. GRCh37 (hg19) VCF-style: chrX-99662344-G-A.
Other names: c.1252C>T, p.Gln418Ter (NM_001105243.2, NM_020766.3); short protein forms Q418*.
Identifiers: ClinVar variation 2742881 (VCV002742881.3), dbSNP rs2520984330, ClinGen allele CA414003419.
Genomic context (GRCh38, chrX:100,407,346, plus strand): 5'-ACTTGGCACTCTGCAGCATGGGCACGCCGCCGTCGCGTGCCTGAATTGTGAGGTTGTATT[G>A]GTCGTGCTGCTCGCGGTCCAGCCGTCCGTCCACCAGAATAGTGGAGAAGCTCTCATATTC-3'

ClinVar aggregate classification (germline): Pathogenic (1 of 4 stars; one submission).

Conditions:
Developmental and epileptic encephalopathy, 9 (DEE9). Also called: PCDH19-Related X-Linked Female-Limited Epilepsy with Mental Retardation; Early infantile epileptic encephalopathy 9; EPILEPSY, FEMALE-RESTRICTED, WITH MENTAL RETARDATION; JUBERG-HELLMAN SYNDROME. Identifiers: Orphanet 101039, Orphanet 2076, MedGen C1848137, MONDO:0010246, OMIM 300088. Disease mechanism: loss of function.

Submission:

Labcorp Genetics (formerly Invitae), Labcorp
Classification: Pathogenic for Developmental and epileptic encephalopathy, 9. Last evaluated: 2023-07-13. Review status: criteria provided, single submitter. Criteria: Invitae Variant Classification Sherloc (09022015). Collection method: clinical testing. Allele origin: germline.
Comment: For these reasons, this variant has been classified as Pathogenic. This variant has not been reported in the literature in individuals affected with PCDH19-related conditions. This variant is not present in population databases (gnomAD no frequency). This sequence change creates a premature translational stop signal (p.Gln418*) in the PCDH19 gene. It is expected to result in an absent or disrupted protein product. Loss-of-function variants in PCDH19 are known to be pathogenic (PMID: 21053371).

Literature cited by the submitters: PubMed 21053371.